The following is an entry in ClinVar:

NM_001330078.2(NRXN1):c.313G>A (p.Ala105Thr)

Gene: NRXN1 (neurexin 1; minus strand). Cytogenetic location: 2p16.3.
Variant type: single nucleotide variant.
Coding change: c.313G>A on transcript NM_001330078.2 (MANE Select); coding-DNA position 313, G replaced by A.
Protein change: p.Ala105Thr; replaces alanine 105 with threonine.
Molecular consequence: missense variant.
Genome position (GRCh38, 1-based): chr2:51,027,961, C>T on the plus strand (G>A on the coding strand, the complement: NRXN1 is on the minus strand). VCF-style: chr2-51027961-C-T. GRCh37 (hg19) VCF-style: chr2-51255099-C-T.
Other names: c.313G>A, p.Ala105Thr (NM_001135659.3, NM_001330077.2, NM_001330079.2 and 15 more transcripts); short protein forms A105T.
Identifiers: ClinVar variation 1946321 (VCV001946321.5), dbSNP rs1477575098, ClinGen allele CA346824254.

ClinVar aggregate classification (germline): Uncertain significance (1 of 4 stars; one submission).

Conditions:
Pitt-Hopkins-like syndrome 2 (PTHSL2). Identifiers: Orphanet 221150, Orphanet 600663, MedGen C3280479, MONDO:0013690, OMIM 614325.

Submission:

Labcorp Genetics (formerly Invitae), Labcorp
Classification: Uncertain significance for Pitt-Hopkins-like syndrome 2. Last evaluated: 2022-02-27. Review status: criteria provided, single submitter. Criteria: Invitae Variant Classification Sherloc (09022015). Collection method: clinical testing. Allele origin: germline.
Comment: In summary, the available evidence is currently insufficient to determine the role of this variant in disease. Therefore, it has been classified as a Variant of Uncertain Significance. Algorithms developed to predict the effect of missense changes on protein structure and function output the following: SIFT: "Tolerated"; PolyPhen-2: "Benign"; Align-GVGD: "Class C0". The threonine amino acid residue is found in multiple mammalian species, which suggests that this missense change does not adversely affect protein function. This variant has not been reported in the literature in individuals affected with NRXN1-related conditions. This variant is present in population databases (no rsID available, gnomAD 0.003%). This sequence change replaces alanine, which is neutral and non-polar, with threonine, which is neutral and polar, at codon 105 of the NRXN1 protein (p.Ala105Thr).